The following is an entry in ClinVar:

ClinVar aggregate classification (germline): Uncertain significance (1 of 4 stars; one submission).

Conditions:
Hypertrophic cardiomyopathy 26. Also called: Cardiomyopathy, familial hypertrophic, 26. Identifiers: Orphanet 75249, MedGen C4310749, MONDO:0014883, OMIM 617047.
Myofibrillar myopathy 5. Also called: FILAMINOPATHY, AUTOSOMAL DOMINANT; Filaminopathy (type). Identifiers: Orphanet 171445, MedGen C1836050, MONDO:0012289, OMIM 609524.
Distal myopathy with posterior leg and anterior hand involvement. Also called: WILLIAMS DISTAL MYOPATHY. Identifiers: Orphanet 63273, MedGen C3279722, MONDO:0013550, OMIM 614065.

gnomAD v4.1: 2 of 1,613,960 alleles (0.00012%); highest among the groups gnomAD compares: Non-Finnish European, 0.00017%; no homozygotes.

Submission:

Labcorp Genetics (formerly Invitae), Labcorp
Classification: Uncertain significance for Distal myopathy with posterior leg and anterior hand involvement; Myofibrillar myopathy 5; Hypertrophic cardiomyopathy 26. Last evaluated: 2022-07-19. Review status: criteria provided, single submitter. Criteria: Invitae Variant Classification Sherloc (09022015). Collection method: clinical testing. Allele origin: germline.
Comment: This variant is not present in population databases (gnomAD no frequency). This sequence change replaces alanine, which is neutral and non-polar, with threonine, which is neutral and polar, at codon 1023 of the FLNC protein (p.Ala1023Thr). This variant has not been reported in the literature in individuals affected with FLNC-related conditions. In summary, the available evidence is currently insufficient to determine the role of this variant in disease. Therefore, it has been classified as a Variant of Uncertain Significance. Algorithms developed to predict the effect of missense changes on protein structure and function output the following: SIFT: "Tolerated"; PolyPhen-2: "Benign"; Align-GVGD: "Class C0". The threonine amino acid residue is found in multiple mammalian species, which suggests that this missense change does not adversely affect protein function. ClinVar contains an entry for this variant (Variation ID: 1405573).

NM_001458.5(FLNC):c.3067G>A (p.Ala1023Thr)

Gene: FLNC (filamin C; plus strand). Cytogenetic location: 7q32.1.
Variant type: single nucleotide variant.
Coding change: c.3067G>A on transcript NM_001458.5 (MANE Select); coding-DNA position 3067, G replaced by A.
Protein change: p.Ala1023Thr; replaces alanine 1023 with threonine.
Molecular consequence: missense variant.
Genome position (GRCh38, 1-based): chr7:128,844,141, G>A. VCF-style: chr7-128844141-G-A. GRCh37 (hg19) VCF-style: chr7-128484195-G-A.
Other names: c.3067G>A, p.Ala1023Thr (NM_001127487.2); short protein forms A1023T.
Identifiers: ClinVar variation 1405573 (VCV001405573.6), dbSNP rs376107866, ClinGen allele CA369194180.